The following is an entry in ClinVar:

NM_001034853.2(RPGR):c.2752G>T (p.Glu918Ter)

Gene: RPGR (retinitis pigmentosa GTPase regulator; minus strand). Cytogenetic location: Xp11.4.
Variant type: single nucleotide variant.
Coding change: c.2752G>T on transcript NM_001034853.2 (MANE Select); coding-DNA position 2752, G replaced by T.
Protein change: p.Glu918Ter; replaces glutamic acid 918 with a stop codon.
Molecular consequence: nonsense. On other transcripts: intron variant (8).
Genome position (GRCh38, 1-based): chrX:38,286,247, C>A on the plus strand (G>T on the coding strand, the complement: RPGR is on the minus strand). VCF-style: chrX-38286247-C-A. GRCh37 (hg19) VCF-style: chrX-38145500-C-A.
Other names: c.1569+4712G>T (NM_001367249.1, NM_001367250.1); c.1902+847G>T (NM_001367245.1); c.1386+4712G>T (NM_001367251.1); c.1719+847G>T (NM_001367246.1); c.1572+4712G>T (NM_001367247.1); c.1905+847G>T (NM_000328.3); c.1602+4712G>T (NM_001367248.1); short protein forms E918*.
Identifiers: ClinVar variation 2883813 (VCV002883813.3), dbSNP rs2519787370, ClinGen allele CA412729864.

ClinVar aggregate classification (germline): Pathogenic (1 of 4 stars; one submission).

Conditions:
Primary ciliary dyskinesia. Also called: Ciliary dyskinesia. Identifiers: Orphanet 244, MedGen C0008780, MONDO:0016575, HP:0012265.

Submission:

Labcorp Genetics (formerly Invitae), Labcorp
Classification: Pathogenic for Primary ciliary dyskinesia. Last evaluated: 2025-07-02. Review status: criteria provided, single submitter. Criteria: Invitae Variant Classification Sherloc (09022015). Collection method: clinical testing. Allele origin: germline.
Comment: This sequence change creates a premature translational stop signal (p.Glu918*) in the RPGR (ORF15) gene. While this is not anticipated to result in nonsense mediated decay, it is expected to disrupt the last 235 amino acid(s) of the RPGR (ORF15) protein. This variant is not present in population databases (gnomAD no frequency). This premature translational stop signal has been observed in individual(s) with clinical features of retinitis pigmentosa (PMID: 32000842). ClinVar contains an entry for this variant (Variation ID: 2883813). This variant disrupts a region of the RPGR (ORF15) protein in which other variant(s) (p.Leu1130Lysfs*13) have been determined to be pathogenic (PMID: 22264887; internal data). This suggests that this is a clinically significant region of the protein, and that variants that disrupt it are likely to be disease-causing. For these reasons, this variant has been classified as Pathogenic.

Literature cited by the submitters: PubMed 32000842; PubMed 22264887.